The following is an entry in ClinVar:

NM_001159773.2(CANT1):c.205C>T (p.Pro69Ser)

Gene: CANT1 (calcium activated nucleotidase 1; minus strand). Cytogenetic location: 17q25.3.
Variant type: single nucleotide variant.
Coding change: c.205C>T on transcript NM_001159773.2 (MANE Select); coding-DNA position 205, C replaced by T.
Protein change: p.Pro69Ser; replaces proline 69 with serine.
Molecular consequence: missense variant.
Genome position (GRCh38, 1-based): chr17:78,997,418, G>A on the plus strand (C>T on the coding strand, the complement: CANT1 is on the minus strand). VCF-style: chr17-78997418-G-A. GRCh37 (hg19) VCF-style: chr17-76993500-G-A.
Other names: c.205C>T, p.Pro69Ser (NM_001159772.2, NM_138793.4); c.205C>T (NM_138793.3); short protein forms P69S.
Identifiers: ClinVar variation 2159917 (VCV002159917.3), dbSNP rs577520073, ClinGen allele CA8808788.

ClinVar aggregate classification (germline): Uncertain significance. Review status: criteria provided, multiple submitters, no conflicts (2 of 4 stars). 2 submissions from 2 submitters: Uncertain significance (2). Last evaluated 2023-06-02.

Conditions:
Inborn genetic diseases. Identifiers: MedGen C0950123, MeSH D030342.

Allele frequency attached by ClinVar (database versions not stated): gnomAD exomes 0.00001; ExAC 0.00003; gnomAD 0.00005; TOPMed 0.00005; 1000 Genomes Project 30x 0.00016; 1000 Genomes Project 0.00020.

Submissions (2):

Ambry Genetics
Classification: Uncertain significance for Inborn genetic diseases. Last evaluated: 2023-06-02. Review status: criteria provided, single submitter. Criteria: Ambry Variant Classification Scheme 2023. Collection method: clinical testing. Allele origin: germline.

Labcorp Genetics (formerly Invitae), Labcorp
Classification: Uncertain significance. Last evaluated: 2022-06-23. Review status: criteria provided, single submitter. Criteria: Invitae Variant Classification Sherloc (09022015). Collection method: clinical testing. Allele origin: germline.
Comment: This sequence change replaces proline, which is neutral and non-polar, with serine, which is neutral and polar, at codon 69 of the CANT1 protein (p.Pro69Ser). This variant is present in population databases (rs577520073, gnomAD 0.03%). This variant has not been reported in the literature in individuals affected with CANT1-related conditions. Algorithms developed to predict the effect of missense changes on protein structure and function output the following: SIFT: "Tolerated"; PolyPhen-2: "Benign"; Align-GVGD: "Class C0". The serine amino acid residue is found in multiple mammalian species, which suggests that this missense change does not adversely affect protein function. Algorithms developed to predict the effect of sequence changes on RNA splicing suggest that this variant may create or strengthen a splice site. In summary, the available evidence is currently insufficient to determine the role of this variant in disease. Therefore, it has been classified as a Variant of Uncertain Significance.